The following is an entry in ClinVar:

NM_001385012.1(NBEA):c.4098A>C (p.Val1366=)

Gene: NBEA (neurobeachin; plus strand). Cytogenetic location: 13q13.3.
Variant type: single nucleotide variant.
Coding change: c.4098A>C on transcript NM_001385012.1 (MANE Select); coding-DNA position 4098, A replaced by C.
Protein change: p.Val1366=; no amino-acid change (valine 1366 retained).
Molecular consequence: synonymous variant.
Genome position (GRCh38, 1-based): chr13:35,164,374, A>C. VCF-style: chr13-35164374-A-C. GRCh37 (hg19) VCF-style: chr13-35738511-A-C.
Other names: c.4098A>C, p.Val1366= (NM_001379245.1, NM_015678.5).
Identifiers: ClinVar variation 4535083 (VCV004535083.6).
Genomic context (GRCh38, chr13:35,164,374, plus strand): 5'-AAGTAAGCCAAAACATACTCATTTCTGTTTTCTGTATTTTAGCCATTCTACAAAGTCTGT[A>C]ATGGATTTTGTCAATAGCAATGAAAATATTATTTTTGTACATAACACAATTCACCTCATT-3'
Protein context (NP_001371941.1, residues 1356-1376): HVWRSHSTKS[Val1366=]MDFVNSNENI

ClinVar aggregate classification (germline): Likely benign (1 of 4 stars; one submission).

Submission:

CeGaT Center for Human Genetics Tuebingen
Classification: Likely benign. Last evaluated: 2025-10-01. Review status: criteria provided, single submitter. Criteria: CeGaT Center For Human Genetics Tuebingen Variant Classification Criteria Version 2. Collection method: clinical testing. Allele origin: germline. Affected: yes. Observed: 1 variant allele.
Comment: NBEA: PM2:Supporting, BP4, BP7